The following is an entry in ClinVar:

ClinVar aggregate classification (germline): Uncertain significance (1 of 4 stars; one submission).

Conditions:
Jeune thoracic dystrophy. Also called: Jeune syndrome; Infantile thoracic dystrophy; Thoracic pelvic phalangeal dystrophy; Jeune's syndrome; Chondroectodermal dysplasia-like syndrome; Short-rib thoracic dysplasia. Identifiers: Orphanet 474, MedGen C0265275, MONDO:0018770.
Nephronophthisis. Also called: Juvenile Nephronophthisis. Identifiers: Orphanet 655, MedGen C0687120, MONDO:0019005, HP:0000090.

Submission:

Labcorp Genetics (formerly Invitae), Labcorp
Classification: Uncertain significance for Jeune thoracic dystrophy; Nephronophthisis. Last evaluated: 2022-10-04. Review status: criteria provided, single submitter. Criteria: Invitae Variant Classification Sherloc (09022015). Collection method: clinical testing. Allele origin: germline.
Comment: This variant results in a copy number gain of the genomic region encompassing exon(s) 20-29 of the TTC21B gene. This region includes the termination codon of the gene. This copy number gain extends beyond the assayed region for this gene and therefore may encompass additional genes. As the precise location of this event is unknown, it may be in tandem or it may be located elsewhere in the genome. This variant has not been reported in the literature in individuals affected with TTC21B-related conditions. In summary, the available evidence is currently insufficient to determine the role of this variant in disease. Therefore, it has been classified as a Variant of Uncertain Significance.

NC_000002.11:g.(?_166731265)_(166758440_?)dup

Gene: TTC21B (tetratricopeptide repeat domain 21B; minus strand). Cytogenetic location: 2q24.3.
Variant type: Duplication.
Identifiers: ClinVar variation 1445060 (VCV001445060.4).